The following is an entry in ClinVar:

ClinVar aggregate classification (germline): Likely benign. Review status: criteria provided, multiple submitters, no conflicts (2 of 4 stars). 4 submissions from 4 submitters: Likely benign (4). Last evaluated 2026-01-28.

Conditions:
LAMA2-related muscular dystrophy (LAMA2-RD). Also called: Laminin alpha 2-related dystrophy. Identifiers: MedGen C5679788, MONDO:0100228.

Allele frequency attached by ClinVar (database versions not stated): gnomAD exomes 0.00003 and 0.00009; ExAC 0.00016; TOPMed 0.00032; gnomAD 0.00036 and 0.00040; ESP Exome Variant Server 0.00038; 1000 Genomes Project 0.00140; 1000 Genomes Project 30x 0.00156.
gnomAD v4.1: 116 of 1,587,018 alleles (0.0073%); highest among the groups gnomAD compares: African/African-American, 0.13%; 1 homozygote.

Submissions (4):

Labcorp Genetics (formerly Invitae), Labcorp
Classification: Likely benign for LAMA2-related muscular dystrophy. Last evaluated: 2026-01-28. Review status: criteria provided, single submitter. Criteria: Invitae Variant Classification Sherloc (09022015). Collection method: clinical testing. Allele origin: germline.

Women's Health and Genetics/Laboratory Corporation of America, LabCorp
Classification: Likely benign. Last evaluated: 2025-09-24. Review status: criteria provided, single submitter. Criteria: LabCorp Variant Classification Summary - May 2015. Collection method: clinical testing. Allele origin: germline.

Blueprint Genetics
Classification: Likely benign. Last evaluated: 2018-10-22. Review status: criteria provided, single submitter. Criteria: ACMG Guidelines, 2015. Collection method: clinical testing. Allele origin: germline.

GeneDx
Classification: Likely benign. Last evaluated: 2016-03-21. Review status: criteria provided, single submitter. Criteria: GeneDx Variant Classification (06012015). Collection method: clinical testing. Allele origin: germline. Affected: yes.
Comment: This variant is considered likely benign or benign based on one or more of the following criteria: it is a conservative change, it occurs at a poorly conserved position in the protein, it is predicted to be benign by multiple in silico algorithms, and/or has population frequency not consistent with disease.

NM_000426.4(LAMA2):c.7300+19A>G

Gene: LAMA2 (laminin subunit alpha 2; plus strand). Cytogenetic location: 6q22.33.
Variant type: single nucleotide variant.
Coding change: c.7300+19A>G on transcript NM_000426.4 (MANE Select); 19 bases into the intron after coding-DNA position 7300, A replaced by G.
Molecular consequence: intron variant.
Genome position (GRCh38, 1-based): chr6:129,465,308, A>G. VCF-style: chr6-129465308-A-G. GRCh37 (hg19) VCF-style: chr6-129786453-A-G.
Other names: c.7300+19A>G (NM_001079823.2).
Identifiers: ClinVar variation 384415 (VCV000384415.13), dbSNP rs115892449, ClinGen allele CA3994500.